The following is an entry in ClinVar:

NM_133433.4(NIPBL):c.432A>C (p.Gln144His)

Gene: NIPBL (NIPBL cohesin loading factor; plus strand). Cytogenetic location: 5p13.2.
Variant type: single nucleotide variant.
Coding change: c.432A>C on transcript NM_133433.4 (MANE Select); coding-DNA position 432, A replaced by C.
Protein change: p.Gln144His; replaces glutamine 144 with histidine.
Molecular consequence: missense variant.
Genome position (GRCh38, 1-based): chr5:36,961,557, A>C. VCF-style: chr5-36961557-A-C. GRCh37 (hg19) VCF-style: chr5-36961659-A-C.
Other names: c.432A>C, p.Gln144His (NM_015384.5); short protein forms Q144H.
Identifiers: ClinVar variation 988743 (VCV000988743.2), dbSNP rs2479027529, ClinGen allele CA359475722.

ClinVar aggregate classification (germline): Uncertain significance. Review status: criteria provided, single submitter (1 of 4 stars). 2 submissions from 2 submitters: Uncertain significance (1). 1 of the submissions does not count toward it. Last evaluated 2025-03-21.

Conditions:
Cornelia de Lange syndrome 1 (CDLS1). Also called: Brachmann de Lange syndrome; NIPBL-Related Cornelia de Lange Syndrome; TYPUS DEGENERATIVUS AMSTELODAMENSIS. Identifiers: Orphanet 199, MedGen C4551851, MONDO:0007387, OMIM 122470.

Submissions (2):

GeneDx
Classification: Uncertain significance. Last evaluated: 2025-03-21. Review status: criteria provided, single submitter. Criteria: GeneDx Variant Classification Process June 2021. Collection method: clinical testing. Allele origin: germline. Affected: yes.
Comment: Not observed at significant frequency in large population cohorts (gnomAD); In silico analysis indicates that this missense variant does not alter protein structure/function; Has not been previously published as pathogenic or benign to our knowledge

Service de Génétique Moléculaire, Hôpital Robert Debré
Classification: Uncertain significance for Cornelia de Lange syndrome 1. Last evaluated: 2020-06-02. Review status: no assertion criteria provided. Collection method: clinical testing. Allele origin: de novo. Affected: yes. Not counted in ClinVar's aggregate classification.